The following is an entry in ClinVar:

NM_001204375.2(NPR3):c.442T>C (p.Ser148Pro)

Genes: NPR3 (natriuretic peptide receptor 3; plus strand), LOC123493284 (Sharpr-MPRA regulatory region 158; plus strand). Cytogenetic location: 5p13.3.
Variant type: single nucleotide variant.
Coding change: c.442T>C on transcript NM_001204375.2 (MANE Select); coding-DNA position 442, T replaced by C.
Protein change: p.Ser148Pro; replaces serine 148 with proline.
Molecular consequence: missense variant. On other transcripts: intron variant (4).
Genome position (GRCh38, 1-based): chr5:32,712,218, T>C. VCF-style: chr5-32712218-T-C. GRCh37 (hg19) VCF-style: chr5-32712324-T-C.
Other names: c.442T>C, p.Ser148Pro (NM_000908.4); c.50-12480T>C (NM_001364458.2); c.121+1435T>C (NM_001363652.2, NM_001204376.2, NM_001364460.2); short protein forms S148P.
Identifiers: ClinVar variation 1285628 (VCV001285628.3), dbSNP rs1433125500, ClinGen allele CA359467049.

ClinVar aggregate classification (germline): Likely pathogenic. Review status: criteria provided, single submitter (1 of 4 stars). 2 submissions from 2 submitters: Likely pathogenic (1). 1 of the submissions does not count toward it. Last evaluated 2022-03-18.

Conditions:
Boudin-Mortier syndrome (BOMOS). Also called: Tall stature and long digits with extra epiphyses. Identifiers: MedGen C5561992, MONDO:0859194, OMIM 619543.

Submissions (2):

SIB Swiss Institute of Bioinformatics
Classification: Likely pathogenic for Boudin-Mortier syndrome. Last evaluated: 2022-03-18. Review status: criteria provided, single submitter. Criteria: ACMG Guidelines, 2015. Collection method: curation. Allele origin: unknown.
Comment: This variant is interpreted as likely pathogenic for Boudin-Mortier syndrome, autosomal recessive. The following ACMG Tag(s) were applied: Absent from controls (or at extremely low frequency if recessive) in Exome Sequencing Project, 1000 Genomes Project, or Exome Aggregation Consortium (PM2); Multiple lines of computational evidence support a deleterious effect on the gene or gene product (PP3); Well-established functional studies show a deleterious effect (PS3).

OMIM
Classification: Pathogenic for BOUDIN-MORTIER SYNDROME. Last evaluated: 2023-11-28. Review status: no assertion criteria provided. Collection method: literature only. Allele origin: germline. Not counted in ClinVar's aggregate classification.

Literature cited by the submitters: PubMed 30032985 (cited by SIB Swiss Institute of Bioinformatics and OMIM); PubMed 24559625 (cited by OMIM).